The following is an entry in ClinVar:

NM_198428.3(BBS9):c.1466T>C (p.Val489Ala)

Gene: BBS9 (Bardet-Biedl syndrome 9; plus strand). Cytogenetic location: 7p14.3.
Variant type: single nucleotide variant.
Coding change: c.1466T>C on transcript NM_198428.3 (MANE Select); coding-DNA position 1466, T replaced by C.
Protein change: p.Val489Ala; replaces valine 489 with alanine.
Molecular consequence: missense variant. On other transcripts: non-coding transcript variant (3), intron variant (5).
Genome position (GRCh38, 1-based): chr7:33,351,252, T>C. VCF-style: chr7-33351252-T-C. GRCh37 (hg19) VCF-style: chr7-33390864-T-C.
Other names: c.1193T>C, p.Val398Ala (NM_001348038.3); c.1466T>C, p.Val489Ala (NM_001348041.4, NM_001348043.3, NM_001362679.1 and 4 more transcripts); c.1331T>C, p.Val444Ala (NM_001348042.3); c.1100T>C, p.Val367Ala (NM_001348045.3, NM_001348046.3, NM_001348037.3); c.1160-1607T>C (NM_001348039.3); c.1433-1607T>C (NM_001033604.2); c.1432+2082T>C (NM_014451.4, NM_001348040.3); c.1067-1607T>C (NM_001348044.3); and 1 more; short protein forms V398A, V489A, V367A, V444A.
Identifiers: ClinVar variation 2062674 (VCV002062674.6), dbSNP rs375968976, ClinGen allele CA4214352.

ClinVar aggregate classification (germline): Uncertain significance. Review status: criteria provided, multiple submitters, no conflicts (2 of 4 stars). 3 submissions from 3 submitters: Uncertain significance (3). Last evaluated 2024-12-30.

Conditions:
Inborn genetic diseases. Identifiers: MedGen C0950123, MeSH D030342.
Bardet-Biedl syndrome (BBS). Identifiers: Orphanet 110, MedGen C0752166, MONDO:0015229.
BBS9-related disorder. Also called: BBS9-related condition.

Allele frequency attached by ClinVar (database versions not stated): ExAC 0.00001; gnomAD 0.00001; gnomAD exomes 0.00001; TOPMed 0.00001; ESP Exome Variant Server 0.00008.
gnomAD v4.1: 6 of 1,612,686 alleles (0.00037%); highest among the groups gnomAD compares: South Asian, 0.0011%; no homozygotes.

Submissions (3):

PreventionGenetics, part of Exact Sciences
Classification: Uncertain significance for BBS9-related condition. Last evaluated: 2024-12-30. Review status: criteria provided, single submitter. Criteria: ACMG Guidelines, 2015. Collection method: clinical testing. Allele origin: germline.
Comment: The BBS9 c.1466T>C variant is predicted to result in the amino acid substitution p.Val489Ala. To our knowledge, this variant has not been reported in the literature. This variant is reported in 0.0033% of alleles in individuals of South Asian descent in gnomAD. At this time, the clinical significance of this variant is uncertain due to the absence of conclusive functional and genetic evidence.

Labcorp Genetics (formerly Invitae), Labcorp
Classification: Uncertain significance for Bardet-Biedl syndrome. Last evaluated: 2024-06-27. Review status: criteria provided, single submitter. Criteria: Invitae Variant Classification Sherloc (09022015). Collection method: clinical testing. Allele origin: germline.
Comment: This sequence change replaces valine, which is neutral and non-polar, with alanine, which is neutral and non-polar, at codon 489 of the BBS9 protein (p.Val489Ala). This variant is present in population databases (rs375968976, gnomAD 0.003%). This variant has not been reported in the literature in individuals affected with BBS9-related conditions. ClinVar contains an entry for this variant (Variation ID: 2062674). Advanced modeling of protein sequence and biophysical properties (such as structural, functional, and spatial information, amino acid conservation, physicochemical variation, residue mobility, and thermodynamic stability) performed at Invitae indicates that this missense variant is not expected to disrupt BBS9 protein function with a negative predictive value of 80%. In summary, the available evidence is currently insufficient to determine the role of this variant in disease. Therefore, it has been classified as a Variant of Uncertain Significance.

Ambry Genetics
Classification: Uncertain significance for Inborn genetic diseases. Last evaluated: 2024-05-28. Review status: criteria provided, single submitter. Criteria: Ambry Variant Classification Scheme 2023. Collection method: clinical testing. Allele origin: germline.